The following is an entry in ClinVar:

NM_020778.5(ALPK3):c.4066T>C (p.Ser1356Pro)

Gene: ALPK3 (alpha kinase 3; plus strand). Cytogenetic location: 15q25.3.
Variant type: single nucleotide variant.
Coding change: c.4066T>C on transcript NM_020778.5 (MANE Select); coding-DNA position 4066, T replaced by C.
Protein change: p.Ser1356Pro; replaces serine 1356 with proline.
Molecular consequence: missense variant.
Genome position (GRCh38, 1-based): chr15:84,859,876, T>C. VCF-style: chr15-84859876-T-C. GRCh37 (hg19) VCF-style: chr15-85403107-T-C.
Other names: short protein forms S1356P.
Identifiers: ClinVar variation 2820610 (VCV002820610.3), dbSNP rs765464919, ClinGen allele CA7709822.

ClinVar aggregate classification (germline): Uncertain significance (1 of 4 stars; one submission).

Allele frequency attached by ClinVar (database versions not stated): gnomAD exomes below 0.00001; ExAC 0.00001.

Submission:

Labcorp Genetics (formerly Invitae), Labcorp
Classification: Uncertain significance. Last evaluated: 2025-09-15. Review status: criteria provided, single submitter. Criteria: Invitae Variant Classification Sherloc (09022015). Collection method: clinical testing. Allele origin: germline.
Comment: This sequence change replaces serine, which is neutral and polar, with proline, which is neutral and non-polar, at codon 1558 of the ALPK3 protein (p.Ser1558Pro). This variant is present in population databases (rs765464919, gnomAD 0.006%). This variant has not been reported in the literature in individuals affected with ALPK3-related conditions. ClinVar contains an entry for this variant (Variation ID: 2820610). Invitae Evidence Modeling of protein sequence and biophysical properties (such as structural, functional, and spatial information, amino acid conservation, physicochemical variation, residue mobility, and thermodynamic stability) indicates that this missense variant is expected to disrupt ALPK3 protein function with a positive predictive value of 80%. In summary, the available evidence is currently insufficient to determine the role of this variant in disease. Therefore, it has been classified as a Variant of Uncertain Significance.